The following is an entry in ClinVar:

NM_002396.5(ME2):c.629T>C (p.Ile210Thr)

Gene: ME2 (malic enzyme 2; plus strand). Cytogenetic location: 18q21.2.
Variant type: single nucleotide variant.
Coding change: c.629T>C on transcript NM_002396.5 (MANE Select); coding-DNA position 629, T replaced by C.
Protein change: p.Ile210Thr; replaces isoleucine 210 with threonine.
Molecular consequence: missense variant.
Genome position (GRCh38, 1-based): chr18:50,917,507, T>C. VCF-style: chr18-50917507-T-C. GRCh37 (hg19) VCF-style: chr18-48443877-T-C.
Other names: c.629T>C, p.Ile210Thr (NM_001168335.2); short protein forms I210T.
Identifiers: ClinVar variation 447714 (VCV000447714.3), dbSNP rs142990108, ClinGen allele CA8965101.
Genomic context (GRCh38, chr18:50,917,507, plus strand): 5'-GTGCAGGAATACGGCCTGATAGATGCCTGCCAGTGTGTATTGATGTGGGAACTGATAATA[T>C]CGTGAGTAACATCATTTTCCCCCTTTATCTTCCTCCTGTATTTTTTAAAATGTGTACAAT-3'
Protein context (NP_002387.1, residues 200-220): PVCIDVGTDN[Ile210Thr]ALLKDPFYMG

ClinVar aggregate classification (germline): Uncertain significance. Review status: criteria provided, single submitter (1 of 4 stars). 2 submissions from 2 submitters: Uncertain significance (1). 1 of the submissions does not count toward it. Last evaluated 2017-01-25.

Conditions:
ME2-related disorder. Also called: ME2-related condition.

Allele frequency attached by ClinVar (database versions not stated): gnomAD exomes 0.00018 and 0.00047; ExAC 0.00051; 1000 Genomes Project 0.00120; 1000 Genomes Project 30x 0.00125; gnomAD 0.00176 and 0.00198; ESP Exome Variant Server 0.00192; TOPMed 0.00202.

Submissions (2):

Athena Diagnostics
Classification: Uncertain significance. Last evaluated: 2017-01-25. Review status: criteria provided, single submitter. Criteria: Athena Diagnostics Criteria. Collection method: clinical testing. Allele origin: germline.

PreventionGenetics, part of Exact Sciences
Classification: Likely benign for ME2-related condition. Last evaluated: 2019-10-28. Review status: no assertion criteria provided. Collection method: clinical testing. Allele origin: germline. Not counted in ClinVar's aggregate classification.
Comment: This variant is classified as likely benign based on ACMG/AMP sequence variant interpretation guidelines (Richards et al. 2015 PMID: 25741868, with internal and published modifications).